The following is an entry in ClinVar:

ClinVar aggregate classification (germline): Pathogenic (1 of 4 stars; one submission).

Conditions:
Primary ciliary dyskinesia 3. Identifiers: Orphanet 244, MedGen C1837618, MONDO:0012085, OMIM 608644.

Submission:

Myriad Genetics, Inc.
Classification: Pathogenic for Primary ciliary dyskinesia 3. Last evaluated: 2024-05-14. Review status: criteria provided, single submitter. Criteria: Myriad Autosomal Dominant, Autosomal Recessive and X-Linked Classification Criteria (2023). Collection method: clinical testing. Allele origin: unknown.
Comment: NM_001369.2(DNAH5):c.4607_4608ins10(S1537Rfs*12) is expected to be pathogenic in the context of primary ciliary dyskinesia, DNAH5-related. This variant is predicted to lead to an abnormal or absent protein product due to the creation of a premature termination codon in DNAH5, a gene where loss-of-function variants are known to be pathogenic. Please note: this variant was assessed in the context of healthy population screening.

NM_001369.3(DNAH5):c.4607_4608insAAGAGACAGT (p.Ser1537fs)

Genes: DNAH5-AS1 (DNAH5 antisense RNA 1; plus strand), DNAH5 (dynein axonemal heavy chain 5; minus strand). Cytogenetic location: 5p15.2.
Variant type: Insertion.
Coding change: c.4607_4608insAAGAGACAGT on transcript NM_001369.3 (MANE Select); coding-DNA positions 4607 to 4608, AAGAGACAGT inserted.
Protein change: p.Ser1537fs; shifts the reading frame from serine 1537.
Molecular consequence: frameshift variant.
Genome position: GRCh38 VCF-style: chr5-13862736-G-GACTGTCTCTT. GRCh37 (hg19) VCF-style: chr5-13862845-G-GACTGTCTCTT.
Other names: short protein forms S1537fs.
Identifiers: ClinVar variation 5016249 (VCV005016249.1).
Genomic context (GRCh38, chr5:13,862,736, plus strand): 5'-GTCCCATTCATTAATCACTTGCTTCAGCTTTTGCTCAATGTCTCTCTCTTTCACCGCACT[G>GACTGTCTCTT]ATACAGATGTCCTATCAAAATGGCAAGCTCTCATGTTATTGCATGAAAGTCACACGTCCT-3'